The following is an entry in ClinVar:

NM_014946.4(SPAST):c.734C>G (p.Ser245Ter)

Gene: SPAST (spastin; plus strand). Cytogenetic location: 2p22.3.
Variant type: single nucleotide variant.
Coding change: c.734C>G on transcript NM_014946.4 (MANE Select); coding-DNA position 734, C replaced by G.
Protein change: p.Ser245Ter; replaces serine 245 with a stop codon.
Molecular consequence: nonsense.
Genome position (GRCh38, 1-based): chr2:32,114,689, C>G. VCF-style: chr2-32114689-C-G. GRCh37 (hg19) VCF-style: chr2-32339758-C-G.
Other names: c.731C>G, p.Ser244Ter (NM_001363823.2); c.635C>G, p.Ser212Ter (NM_001363875.2); c.638C>G, p.Ser213Ter (NM_001377959.1, NM_199436.2); short protein forms S245*, S212*, S244*, S213*.
Identifiers: ClinVar variation 448453 (VCV000448453.16), dbSNP rs1553314896, ClinGen allele CA346498423.

ClinVar aggregate classification (germline): Pathogenic. Review status: criteria provided, multiple submitters, no conflicts (2 of 4 stars). 3 submissions from 3 submitters: Pathogenic (3). Last evaluated 2025-09-07.

Conditions:
Hereditary spastic paraplegia 4. Also called: Spastic Paraplegia 4; Familial spastic paraplegia autosomal dominant 2; Spastic paraplegia 4, autosomal dominant. Identifiers: Orphanet 100985, MedGen C1866855, MONDO:0008438, OMIM 182601.

Allele frequency attached by ClinVar (database versions not stated): gnomAD exomes below 0.00001.
gnomAD v4.1: 1 of 1,614,102 alleles (0.000062%); highest among the groups gnomAD compares: Non-Finnish European, 0.000085%; no homozygotes.

Submissions (3):

Labcorp Genetics (formerly Invitae), Labcorp
Classification: Pathogenic for Hereditary spastic paraplegia 4. Last evaluated: 2025-09-07. Review status: criteria provided, single submitter. Criteria: Invitae Variant Classification Sherloc (09022015). Collection method: clinical testing. Allele origin: germline.
Comment: This sequence change creates a premature translational stop signal (p.Ser245*) in the SPAST gene. It is expected to result in an absent or disrupted protein product. Loss-of-function variants in SPAST are known to be pathogenic (PMID: 20932283). This variant is not present in population databases (gnomAD no frequency). This premature translational stop signal has been observed in individual(s) with hereditary spastic paraplegia (PMID: 11015453, 16832076, 24451228, 25045380). Invitae Evidence Modeling of clinical and family history, age, sex, and reported ancestry of multiple individuals with this SPAST variant has been performed. This variant is expected to be pathogenic with a positive predictive value of at least 99%. This is a validated machine learning model that incorporates the clinical features of 4,195 individuals referred to our laboratory for SPAST testing. ClinVar contains an entry for this variant (Variation ID: 448453). For these reasons, this variant has been classified as Pathogenic.

GeneDx
Classification: Pathogenic. Last evaluated: 2023-06-16. Review status: criteria provided, single submitter. Criteria: GeneDx Variant Classification Process June 2021. Collection method: clinical testing. Allele origin: germline. Affected: yes.
Comment: Reported previously in multiple individuals with pure hereditary spastic paraplegia (Lindsey et al., 2000; Kim et al., 2014); Nonsense variant predicted to result in protein truncation or nonsense mediated decay in a gene for which loss of function is a known mechanism of disease; Not observed at significant frequency in large population cohorts (gnomAD); This variant is associated with the following publications: (PMID: 25525159, 28495799, 25045380, 11015453, 24451228, 16832076, 31751864)

Athena Diagnostics
Classification: Pathogenic. Last evaluated: 2020-07-13. Review status: criteria provided, single submitter. Criteria: Athena Diagnostics Criteria. Collection method: clinical testing. Allele origin: unknown.
Comment: The variant creates a premature nonsense codon, and is therefore predicted to result in the loss of a functional protein. Found in at least one patient with expected phenotype for this gene, and not found in general population data.

Literature cited by the submitters: PubMed 20932283 (cited by Labcorp Genetics (formerly Invitae), Labcorp); PubMed 11015453 (cited by Labcorp Genetics (formerly Invitae), Labcorp and Athena Diagnostics); PubMed 16832076 (cited by Labcorp Genetics (formerly Invitae), Labcorp and Athena Diagnostics); PubMed 24451228 (cited by Labcorp Genetics (formerly Invitae), Labcorp and Athena Diagnostics); PubMed 25045380 (cited by Labcorp Genetics (formerly Invitae), Labcorp and Athena Diagnostics); PubMed 28495799 (cited by Athena Diagnostics).